The following is an entry in ClinVar:

NM_005639.3(SYT1):c.403GAA[1] (p.Glu136del)

Gene: SYT1 (synaptotagmin 1; plus strand). Cytogenetic location: 12q21.2.
Variant type: Microsatellite.
Coding change: c.403GAA[1] on transcript NM_005639.3 (MANE Select); one copy of the 3-base unit GAA starting at c.403; the reference has two copies in a row; one copy, 3 bases deleted.
Protein change: p.Glu136del; deletes glutamic acid 136.
Molecular consequence: inframe deletion.
Genome position (GRCh38, 1-based): chr12:79,292,062-79,292,064, GAA deleted; deleting any 3 consecutive bases within chr12:79,292,057-79,292,064 gives the same sequence; the position shown is the placement nearest the transcript's 3' end. VCF-style (leftmost placement, unchanged base first): chr12-79292056-AAAG-A. GRCh37 (hg19) VCF-style: chr12-79685836-AAAG-A.
Other names: c.403GAA[1], p.Glu136del (NM_001135805.2, NM_001135806.2); c.394GAA[1], p.Glu133del (NM_001291901.2); c.406_408delGAA (NM_001135805.1); short protein forms E133del, E136del.
Identifiers: ClinVar variation 1315189 (VCV001315189.4), dbSNP rs2138851239, ClinGen allele CA2542538253.

ClinVar aggregate classification (germline): Uncertain significance. Review status: criteria provided, multiple submitters, no conflicts (2 of 4 stars). 2 submissions from 2 submitters: Uncertain significance (2). Last evaluated 2020-11-10.

Conditions:
Inborn genetic diseases. Identifiers: MedGen C0950123, MeSH D030342.

Submissions (2):

Ambry Genetics
Classification: Uncertain significance for Inborn genetic diseases. Last evaluated: 2020-11-10. Review status: criteria provided, single submitter. Criteria: Ambry Variant Classification Scheme 2023. Collection method: clinical testing. Allele origin: germline.
Comment: The c.406_408delGAA (p.E136del) alteration, located in exon 7 (coding exon 3) of the SYT1 gene, results from an in-frame deletion of 3 nucleotides at positions 406 to 408. This results in the deletion of 1 amino acid at codon 136. Based on insufficient or conflicting evidence, the clinical significance of this alteration remains unclear.

GeneDx
Classification: Uncertain significance. Last evaluated: 2020-03-06. Review status: criteria provided, single submitter. Criteria: GeneDx Variant Classification Process June 2021. Collection method: clinical testing. Allele origin: germline. Affected: yes.
Comment: Has not been previously published as pathogenic or benign to our knowledge; In-frame deletion/insertion of one amino acid in a non-repeat region; Not observed in large population cohorts (Lek et al., 2016); In silico analysis supports that this variant does not alter protein structure/function